The following is an entry in ClinVar:

NM_033380.3(COL4A5):c.1634G>A (p.Gly545Asp)

Gene: COL4A5 (collagen type IV alpha 5 chain; plus strand). Cytogenetic location: Xq22.3.
Variant type: single nucleotide variant.
Coding change: c.1634G>A on transcript NM_033380.3 (MANE Select); coding-DNA position 1634, G replaced by A.
Protein change: p.Gly545Asp; replaces glycine 545 with aspartic acid.
Molecular consequence: missense variant.
Genome position (GRCh38, 1-based): chrX:108,597,423, G>A. VCF-style: chrX-108597423-G-A. GRCh37 (hg19) VCF-style: chrX-107840653-G-A.
Other names: c.1634G>A, p.Gly545Asp (NM_000495.5); short protein forms G545D.
Identifiers: ClinVar variation 2444297 (VCV002444297.1), dbSNP rs104886127, ClinGen allele CA413845289.

ClinVar aggregate classification (germline): Likely pathogenic (1 of 4 stars; one submission).

Conditions:
X-linked Alport syndrome (ATS1). Also called: NEPHROPATHY AND DEAFNESS, X-LINKED; COL4A5-Related Nephropathy. Identifiers: Orphanet 63, Orphanet 88917, MedGen C4746986, MONDO:0010520, OMIM 301050.

Submission:

3billion
Classification: Likely pathogenic for X-linked Alport syndrome. Last evaluated: 2023-02-23. Review status: criteria provided, single submitter. Criteria: ACMG Guidelines, 2015. Collection method: clinical testing. Allele origin: unknown. Affected: yes.
Comment: The variant is not observed in the gnomAD v2.1.1 dataset. Missense changes are a common disease-causing mechanism. In silico tool predictions suggest damaging effect of the variant on gene or gene product (REVEL: 0.94; 3Cnet: 0.97). Same nucleotide change resulting in same amino acid change has been previously reported to be associated with COL4A5 related disorder (PMID: 30295827). Different missense changes at the same codon (p.Gly545Arg, p.Gly545Ser, p.Gly545Val) have been reported to be associated with COL4A5 related disorder (ClinVar ID: VCV001073886 / PMID: 10094548, 20884774). Therefore, this variant is classified as Likely pathogenic according to the recommendation of ACMG/AMP guideline.

Literature cited by the submitters: PubMed 20884774; PubMed 10094548; PubMed 30295827.